The following is an entry in ClinVar:

NM_000384.3(APOB):c.8161T>C (p.Phe2721Leu)

Gene: APOB (apolipoprotein B; minus strand). Cytogenetic location: 2p24.1.
Variant type: single nucleotide variant.
Coding change: c.8161T>C on transcript NM_000384.3 (MANE Select); coding-DNA position 8161, T replaced by C.
Protein change: p.Phe2721Leu; replaces phenylalanine 2721 with leucine.
Molecular consequence: missense variant.
Genome position (GRCh38, 1-based): chr2:21,008,707, A>G on the plus strand (T>C on the coding strand, the complement: APOB is on the minus strand). VCF-style: chr2-21008707-A-G. GRCh37 (hg19) VCF-style: chr2-21231579-A-G.
Other names: short protein forms F2721L.
Identifiers: ClinVar variation 4787631 (VCV004787631.1).
Genomic context (GRCh38, chr2:21,008,707, plus strand): 5'-ATTCTGGTATGTGAAGGTCAGGAACTTGAAAATCATTAAGGTTGAGAGTTGGGATTATGA[A>G]TTCTGGAATTGCGATTTCTGGTAAACGGAAGTCTGGCAGGGTGATTCTCGCTAGAGGAAT-3'
Protein context (NP_000375.3, residues 2711-2731): FRLPEIAIPE[Phe2721Leu]IIPTLNLNDF

ClinVar aggregate classification (germline): Uncertain significance (1 of 4 stars; one submission).

Conditions:
Familial hypobetalipoproteinemia 1. Also called: APOB-Related Familial Hypobetalipoproteinemia; Hypobetalipoproteinemia, normotriglyceridemic; Acanthocytosis with hypobetalipoproteinemia. Identifiers: MedGen C4551990, MONDO:0014252, OMIM 615558.
Hypercholesterolemia, autosomal dominant, type B (FHCL2). Also called: APOB-Related Familial Hypercholesterolemia, Autosomal Dominant; Familial hypercholesterolemia 2; Familial Hypercholesterolemia Type B; APOLIPOPROTEIN B-100, FAMILIAL DEFECTIVE; APOLIPOPROTEIN B-100, FAMILIAL LIGAND-DEFECTIVE; HYPERCHOLESTEROLEMIA, FAMILIAL, DUE TO LIGAND-DEFECTIVE APOLIPOPROTEIN B. Identifiers: MedGen C1704417, MONDO:0007751, OMIM 144010.

gnomAD v4.1: 7 of 1,613,972 alleles (0.00043%); highest among the groups gnomAD compares: Non-Finnish European, 0.00059%; no homozygotes.

Submission:

Labcorp Genetics (formerly Invitae), Labcorp
Classification: Uncertain significance for Familial hypobetalipoproteinemia 1; Hypercholesterolemia, autosomal dominant, type B. Last evaluated: 2025-05-06. Review status: criteria provided, single submitter. Criteria: Invitae Variant Classification Sherloc (09022015). Collection method: clinical testing. Allele origin: germline.
Comment: This sequence change replaces phenylalanine, which is neutral and non-polar, with leucine, which is neutral and non-polar, at codon 2721 of the APOB protein (p.Phe2721Leu). This variant is present in population databases (rs766692105, gnomAD 0.002%). This variant has not been reported in the literature in individuals affected with APOB-related conditions. Invitae Evidence Modeling of protein sequence and biophysical properties (such as structural, functional, and spatial information, amino acid conservation, physicochemical variation, residue mobility, and thermodynamic stability) indicates that this missense variant is not expected to disrupt APOB protein function with a negative predictive value of 95%. In summary, the available evidence is currently insufficient to determine the role of this variant in disease. Therefore, it has been classified as a Variant of Uncertain Significance.